The following is an entry in ClinVar:

NM_173500.4(TTBK2):c.161C>G (p.Ala54Gly)

Gene: TTBK2 (tau tubulin kinase 2; minus strand). Cytogenetic location: 15q15.2.
Variant type: single nucleotide variant.
Coding change: c.161C>G on transcript NM_173500.4 (MANE Select); coding-DNA position 161, C replaced by G.
Protein change: p.Ala54Gly; replaces alanine 54 with glycine.
Molecular consequence: missense variant.
Genome position (GRCh38, 1-based): chr15:42,872,667, G>C on the plus strand (C>G on the coding strand, the complement: TTBK2 is on the minus strand). VCF-style: chr15-42872667-G-C. GRCh37 (hg19) VCF-style: chr15-43164865-G-C.
Other names: short protein forms A54G.
Identifiers: ClinVar variation 4538727 (VCV004538727.1).
Genomic context (GRCh38, chr15:42,872,667, plus strand): 5'-TTACCTTGCAGCTTTTTCAAAACAGCAACTTCCATTTTCAGAACTTGTTTTGGTTGTTGA[G>C]CTGATTCCACCTTCAGTGCAACATTTTCCCTGGTGAGCATGTCCAAGGCATCGTAAATTT-3'
Protein context (NP_775771.3, residues 44-64): RENVALKVES[Ala54Gly]QQPKQVLKME

ClinVar aggregate classification (germline): Uncertain significance (1 of 4 stars; one submission).

Submission:

GeneDx
Classification: Uncertain significance. Last evaluated: 2025-06-17. Review status: criteria provided, single submitter. Criteria: GeneDx Variant Classification Process June 2021. Collection method: clinical testing. Allele origin: germline. Affected: yes.
Comment: Not observed at significant frequency in large population cohorts (gnomAD); In silico analysis supports that this missense variant has a deleterious effect on protein structure/function; Has not been previously published as pathogenic or benign to our knowledge